The following is an entry in ClinVar:

NM_002576.5(PAK1):c.361C>T (p.Pro121Ser)

Gene: PAK1 (p21 (RAC1) activated kinase 1; minus strand). Cytogenetic location: 11q13.5.
Variant type: single nucleotide variant.
Coding change: c.361C>T on transcript NM_002576.5 (MANE Select); coding-DNA position 361, C replaced by T.
Protein change: p.Pro121Ser; replaces proline 121 with serine.
Molecular consequence: missense variant. On other transcripts: non-coding transcript variant (2), intron variant (1).
Genome position (GRCh38, 1-based): chr11:77,379,319, G>A on the plus strand (C>T on the coding strand, the complement: PAK1 is on the minus strand). VCF-style: chr11-77379319-G-A. GRCh37 (hg19) VCF-style: chr11-77090364-G-A.
Other names: c.361C>T, p.Pro121Ser (NM_001128620.2, NM_001376268.1, NM_001376269.1 and 26 more transcripts); c.382C>T, p.Pro128Ser (NM_001376272.1); c.67C>T, p.Pro23Ser (NM_001376302.1, NM_001376304.1, NM_001376305.1); c.191-4954C>T (NM_001376301.1); c.361C>T (NM_001128620.1); short protein forms P121S, P128S, P23S.
Identifiers: ClinVar variation 1325809 (VCV001325809.3), dbSNP rs2137082293, ClinGen allele CA382169643.

ClinVar aggregate classification (germline): Pathogenic/Likely pathogenic. Review status: criteria provided, multiple submitters, no conflicts (2 of 4 stars). 2 submissions from 2 submitters: Pathogenic (1); Likely pathogenic (1). Last evaluated 2022-05-05.

Conditions:
Intellectual developmental disorder with macrocephaly, seizures, and speech delay. Identifiers: MedGen C4748428, MONDO:0032568, OMIM 618158.

Submissions (2):

GeneDx
Classification: Pathogenic. Last evaluated: 2022-05-05. Review status: criteria provided, single submitter. Criteria: GeneDx Variant Classification Process June 2021. Collection method: clinical testing. Allele origin: germline. Affected: yes.
Comment: In silico analysis supports that this missense variant has a deleterious effect on protein structure/function; Not observed at significant frequency in large population cohorts (gnomAD); This variant is associated with the following publications: (PMID: 31504246)

Institute of Human Genetics, University of Leipzig Medical Center
Classification: Likely pathogenic for Intellectual developmental disorder with macrocephaly, seizures, and speech delay. Last evaluated: 2019-11-01. Review status: criteria provided, single submitter. Criteria: ACMG Guidelines, 2015. Collection method: research. Allele origin: de novo. Affected: yes.

Literature cited by the submitters: PubMed 31504246 (cited by Institute of Human Genetics, University of Leipzig Medical Center).